The following is an entry in ClinVar:

ClinVar aggregate classification (germline): Uncertain significance. Review status: criteria provided, multiple submitters, no conflicts (2 of 4 stars). 2 submissions from 2 submitters: Uncertain significance (2). Last evaluated 2022-08-23.

Allele frequency attached by ClinVar (database versions not stated): gnomAD exomes below 0.00001 and 0.00002; ExAC 0.00001; gnomAD 0.00005; TOPMed 0.00006; ESP Exome Variant Server 0.00008; 1000 Genomes Project 0.00020; 1000 Genomes Project 30x 0.00031.
gnomAD v4.1: 16 of 1,614,202 alleles (0.00099%); highest among the groups gnomAD compares: African/African-American, 0.02%; no homozygotes.

Submissions (2):

Labcorp Genetics (formerly Invitae), Labcorp
Classification: Uncertain significance. Last evaluated: 2022-08-23. Review status: criteria provided, single submitter. Criteria: Invitae Variant Classification Sherloc (09022015). Collection method: clinical testing. Allele origin: germline.
Comment: This sequence change replaces glutamic acid, which is acidic and polar, with aspartic acid, which is acidic and polar, at codon 228 of the PCARE protein (p.Glu228Asp). This variant is present in population databases (rs201024585, gnomAD 0.03%). This variant has not been reported in the literature in individuals affected with PCARE-related conditions. ClinVar contains an entry for this variant (Variation ID: 1008040). Algorithms developed to predict the effect of missense changes on protein structure and function (SIFT, PolyPhen-2, Align-GVGD) all suggest that this variant is likely to be disruptive. In summary, the available evidence is currently insufficient to determine the role of this variant in disease. Therefore, it has been classified as a Variant of Uncertain Significance.

Blueprint Genetics
Classification: Uncertain significance. Last evaluated: 2019-12-10. Review status: criteria provided, single submitter. Criteria: ACMG Guidelines, 2015. Collection method: clinical testing. Allele origin: germline.

NM_001029883.3(PCARE):c.684G>C (p.Glu228Asp)

Gene: PCARE (photoreceptor cilium actin regulator; minus strand). Cytogenetic location: 2p23.2.
Variant type: single nucleotide variant.
Coding change: c.684G>C on transcript NM_001029883.3 (MANE Select); coding-DNA position 684, G replaced by C.
Protein change: p.Glu228Asp; replaces glutamic acid 228 with aspartic acid.
Molecular consequence: missense variant.
Genome position (GRCh38, 1-based): chr2:29,073,578, C>G on the plus strand (G>C on the coding strand, the complement: PCARE is on the minus strand). VCF-style: chr2-29073578-C-G. GRCh37 (hg19) VCF-style: chr2-29296444-C-G.
Other names: short protein forms E228D.
Identifiers: ClinVar variation 1008040 (VCV001008040.5), dbSNP rs201024585, ClinGen allele CA1592602.